The following is an entry in ClinVar:

ClinVar aggregate classification (germline): Uncertain significance (0 of 4 stars; one submission).

Conditions:
Fanconi anemia complementation group A (FANCA). Also called: Fanconi anemia, group A; FANCA-Related Fanconi Anemia. Identifiers: Orphanet 84, MedGen C3469521, MONDO:0009215, OMIM 227650.

Submission:

Leiden Open Variation Database
Classification: Uncertain significance for Fanconi anemia complementation group A. Last evaluated: 2020-02-28. Review status: no assertion criteria provided. Collection method: curation. Allele origin: germline. Affected: yes.
Comment: Curator: Arleen D. Auerbach. Submitter to LOVD: Arleen D. Auerbach.

Literature cited by the submitters: PubMed 16084127.

NC_000016.10:g.(89758706_89761948)_(89805393_89808293)del

Gene: FANCA (FA complementation group A; minus strand). Cytogenetic location: 16q24.3.
Variant type: Deletion.
Identifiers: ClinVar variation 974295 (VCV000974295.1).